The following is an entry in ClinVar:

ClinVar aggregate classification (germline): Benign. Review status: criteria provided, multiple submitters, no conflicts (2 of 4 stars). 3 submissions from 3 submitters: Benign (3). Last evaluated 2019-02-24.

Conditions:
Fanconi anemia complementation group P. Also called: SLX4-Related Fanconi Anemia. Identifiers: Orphanet 84, MedGen C3469542, MONDO:0013499, OMIM 613951.

Allele frequency attached by ClinVar (database versions not stated): 1000 Genomes Project 0.06849; 1000 Genomes Project 30x 0.07089; gnomAD 0.07737 and 0.07951; TOPMed 0.07903.
gnomAD v4.1: 24,111 of 350,854 alleles (6.9%); highest among the groups gnomAD compares: African/African-American, 11%; 933 homozygotes.

Submissions (3):

GeneDx
Classification: Benign. Last evaluated: 2019-02-24. Review status: criteria provided, single submitter. Criteria: GeneDx Variant Classification Process June 2021. Collection method: clinical testing. Allele origin: germline. Affected: yes.

Illumina Laboratory Services, Illumina
Classification: Benign for Fanconi anemia complementation group P. Last evaluated: 2018-01-12. Review status: criteria provided, single submitter. Criteria: ICSL Variant Classification Criteria 13 December 2019. Collection method: clinical testing. Allele origin: germline.
Comment: This variant was observed in the ICSL laboratory as part of a predisposition screen in an ostensibly healthy population. It had not been previously curated by ICSL or reported in the Human Gene Mutation Database (HGMD: prior to June 1st, 2018), and was therefore a candidate for classification through an automated scoring system. Utilizing variant allele frequency, disease prevalence and penetrance estimates, and inheritance mode, an automated score was calculated to assess if this variant is too frequent to cause the disease. Based on the score and internal cut-off values, a variant classified as benign is not then subjected to further curation. The score for this variant resulted in a classification of benign for this disease.

Breakthrough Genomics
Classification: Benign. Review status: criteria provided, single submitter. Criteria: ACMG Guidelines, 2015. Collection method: not provided. Allele origin: germline. Inheritance: Autosomal recessive inheritance. Affected: yes.

NM_032444.4(SLX4):c.-295A>G

Gene: SLX4 (SLX4 structure-specific endonuclease subunit; minus strand). Cytogenetic location: 16p13.3.
Variant type: single nucleotide variant.
Coding change: c.-295A>G on transcript NM_032444.4 (MANE Select); 295 bases upstream of the start codon, A replaced by G.
Molecular consequence: 5 prime UTR variant.
Genome position (GRCh38, 1-based): chr16:3,609,259, T>C on the plus strand (A>G on the coding strand, the complement: SLX4 is on the minus strand). VCF-style: chr16-3609259-T-C. GRCh37 (hg19) VCF-style: chr16-3659260-T-C.
Other names: c.-295A>G (LRG_503t1).
Identifiers: ClinVar variation 319198 (VCV000319198.9), dbSNP rs59311338, ClinGen allele CA10648370.